The following is an entry in ClinVar:

NM_198503.5(KCNT2):c.720T>A (p.Phe240Leu)

Gene: KCNT2 (potassium sodium-activated channel subfamily T member 2; minus strand). Cytogenetic location: 1q31.3.
Variant type: single nucleotide variant.
Coding change: c.720T>A on transcript NM_198503.5 (MANE Select); coding-DNA position 720, T replaced by A.
Protein change: p.Phe240Leu; replaces phenylalanine 240 with leucine.
Molecular consequence: missense variant. On other transcripts: non-coding transcript variant (2).
Genome position (GRCh38, 1-based): chr1:196,429,676, A>T on the plus strand (T>A on the coding strand, the complement: KCNT2 is on the minus strand). VCF-style: chr1-196429676-A-T. GRCh37 (hg19) VCF-style: chr1-196398806-A-T.
Other names: c.720T>A, p.Phe240Leu (NM_001287819.3, NM_001287820.3); short protein forms F240L.
Identifiers: ClinVar variation 236299 (VCV000236299.5), dbSNP rs1060499537, ClinGen allele CA16616840.

ClinVar aggregate classification (germline): Pathogenic. Review status: criteria provided, single submitter (1 of 4 stars). 2 submissions from 2 submitters: Pathogenic (1). 1 of the submissions does not count toward it. Last evaluated 2016-06-15.

Conditions:
Developmental and epileptic encephalopathy, 57. Also called: EPILEPTIC ENCEPHALOPATHY, EARLY INFANTILE, 57. Identifiers: MedGen C4540411, MONDO:0033366, OMIM 617771.
KCNT2-related disorder. Also called: KCNT2-related condition. Identifiers: MedGen CN236796.

Submissions (2):

Sydney Children's Hospital, SCHN
Classification: Pathogenic for KCNT2-related condition. Last evaluated: 2016-06-15. Review status: criteria provided, single submitter. Criteria: Submitter's publication. Collection method: clinical testing. Allele origin: de novo. Inheritance: Sporadic. Affected: yes. Observed: 1 variant allele, 1 heterozygote.
Comment: The affected residue is highly conserved to C.elegans and predicted to be pathogenic using Polyphen, SIFT and CADD (CADD score 25.5, v1.3). It is not present in the ExAC database (accessed July June 2016). At the structural level, the residue Phe-240 has been demonstrated as critical to normal Slick channel gating. The clinical condition is similar to that caused by pathogenic variants in an equivalent functional domain in the related gene KCNT1.

OMIM
Classification: Pathogenic for DEVELOPMENTAL AND EPILEPTIC ENCEPHALOPATHY 57. Last evaluated: 2020-12-04. Review status: no assertion criteria provided. Collection method: literature only. Allele origin: germline. Not counted in ClinVar's aggregate classification.

Literature cited by the submitters: PubMed 29069600 (cited by OMIM).